The following is an entry in ClinVar:

ClinVar aggregate classification (germline): Likely benign. Review status: criteria provided, single submitter (1 of 4 stars). 2 submissions from 2 submitters: Likely benign (1). 1 of the submissions does not count toward it. Last evaluated 2025-03-15.

Conditions:
CREBBP-related disorder. Also called: CREBBP-related disorders; CREBBP-related condition.
Rubinstein-Taybi syndrome (RSTS). Identifiers: Orphanet 783, MedGen C0035934, MONDO:0019188.

Allele frequency attached by ClinVar (database versions not stated): gnomAD 0.00001; gnomAD exomes 0.00001 and 0.00002; TOPMed 0.00001; ExAC 0.00002.
gnomAD v4.1: 16 of 1,613,722 alleles (0.00099%); highest among the groups gnomAD compares: African/African-American, 0.0027%; no homozygotes.

Submissions (2):

Labcorp Genetics (formerly Invitae), Labcorp
Classification: Likely benign for Rubinstein-Taybi syndrome. Last evaluated: 2025-03-15. Review status: criteria provided, single submitter. Criteria: Invitae Variant Classification Sherloc (09022015). Collection method: clinical testing. Allele origin: germline.

PreventionGenetics, part of Exact Sciences
Classification: Likely benign for CREBBP-related condition. Last evaluated: 2023-10-13. Review status: no assertion criteria provided. Collection method: clinical testing. Allele origin: germline. Not counted in ClinVar's aggregate classification.
Comment: This variant is classified as likely benign based on ACMG/AMP sequence variant interpretation guidelines (Richards et al. 2015 PMID: 25741868, with internal and published modifications).

NM_004380.3(CREBBP):c.6282G>A (p.Pro2094=)

Gene: CREBBP (CREB binding lysine acetyltransferase; minus strand). Cytogenetic location: 16p13.3.
Variant type: single nucleotide variant.
Coding change: c.6282G>A on transcript NM_004380.3 (MANE Select); coding-DNA position 6282, G replaced by A.
Protein change: p.Pro2094=; no amino-acid change (proline 2094 retained).
Molecular consequence: synonymous variant.
Genome position (GRCh38, 1-based): chr16:3,728,765, C>T on the plus strand (G>A on the coding strand, the complement: CREBBP is on the minus strand). VCF-style: chr16-3728765-C-T. GRCh37 (hg19) VCF-style: chr16-3778766-C-T.
Other names: c.6168G>A, p.Pro2056= (NM_001079846.1).
Identifiers: ClinVar variation 761441 (VCV000761441.10), dbSNP rs772950054, ClinGen allele CA7869150.